The following is an entry in ClinVar:

ClinVar aggregate classification (germline): Uncertain significance (1 of 4 stars; one submission).

Conditions:
Ehlers-Danlos syndrome, classic type, 1 (EDSCL1). Also called: EHLERS-DANLOS SYNDROME, GRAVIS TYPE; EHLERS-DANLOS SYNDROME, SEVERE CLASSIC TYPE; Ehlers-Danlos syndrome, type 1; Ehlers-Danlos Syndrome, Classic Type, COL5A1-Related; EDS I. Identifiers: MedGen C0268335, MONDO:0019567, OMIM 130000.

Allele frequency attached by ClinVar (database versions not stated): TOPMed below 0.00001.

Submission:

Labcorp Genetics (formerly Invitae), Labcorp
Classification: Uncertain significance for Ehlers-Danlos syndrome, classic type, 1. Last evaluated: 2022-11-08. Review status: criteria provided, single submitter. Criteria: Invitae Variant Classification Sherloc (09022015). Collection method: clinical testing. Allele origin: germline.
Comment: In summary, the available evidence is currently insufficient to determine the role of this variant in disease. Therefore, it has been classified as a Variant of Uncertain Significance. Advanced modeling of protein sequence and biophysical properties (such as structural, functional, and spatial information, amino acid conservation, physicochemical variation, residue mobility, and thermodynamic stability) has been performed at Invitae for this missense variant, however the output from this modeling did not meet the statistical confidence thresholds required to predict the impact of this variant on COL5A1 protein function. This missense change has been observed in individual(s) with clinical features of COL5A1-related conditions (Invitae). This variant is not present in population databases (gnomAD no frequency). This sequence change replaces glutamine, which is neutral and polar, with arginine, which is basic and polar, at codon 1449 of the COL5A1 protein (p.Gln1449Arg).

NM_000093.5(COL5A1):c.4346A>G (p.Gln1449Arg)

Gene: COL5A1 (collagen type V alpha 1 chain; plus strand). Cytogenetic location: 9q34.3.
Variant type: single nucleotide variant.
Coding change: c.4346A>G on transcript NM_000093.5 (MANE Select); coding-DNA position 4346, A replaced by G.
Protein change: p.Gln1449Arg; replaces glutamine 1449 with arginine.
Molecular consequence: missense variant.
Genome position (GRCh38, 1-based): chr9:134,818,855, A>G. VCF-style: chr9-134818855-A-G. GRCh37 (hg19) VCF-style: chr9-137710701-A-G.
Other names: c.4346A>G, p.Gln1449Arg (NM_001278074.1); short protein forms Q1449R.
Identifiers: ClinVar variation 2812800 (VCV002812800.3), dbSNP rs1356740970, ClinGen allele CA375457369.